The following is an entry in ClinVar:

NM_015378.4(VPS13D):c.9202A>G (p.Ser3068Gly)

Gene: VPS13D (vacuolar protein sorting 13 homolog D; plus strand). Cytogenetic location: 1p36.22.
Variant type: single nucleotide variant.
Coding change: c.9202A>G on transcript NM_015378.4 (MANE Select); coding-DNA position 9202, A replaced by G.
Protein change: p.Ser3068Gly; replaces serine 3068 with glycine.
Molecular consequence: missense variant.
Genome position (GRCh38, 1-based): chr1:12,348,955, A>G. VCF-style: chr1-12348955-A-G. GRCh37 (hg19) VCF-style: chr1-12409012-A-G.
Other names: c.9127A>G, p.Ser3043Gly (NM_018156.4); short protein forms S3043G, S3068G.
Identifiers: ClinVar variation 1311320 (VCV001311320.2), dbSNP rs2101589075, ClinGen allele CA338492159.

ClinVar aggregate classification (germline): Uncertain significance (1 of 4 stars; one submission).

Submission:

GeneDx
Classification: Uncertain significance. Last evaluated: 2019-09-05. Review status: criteria provided, single submitter. Criteria: GeneDx Variant Classification Process June 2021. Collection method: clinical testing. Allele origin: germline. Affected: yes.
Comment: Not observed in large population cohorts (Lek et al., 2016); In silico analysis, which includes protein predictors and evolutionary conservation, supports that this variant does not alter protein structure/function; Has not been previously published as pathogenic or benign to our knowledge